The following is an entry in ClinVar:

ClinVar aggregate classification (germline): Uncertain significance (1 of 4 stars; one submission).

Submission:

Labcorp Genetics (formerly Invitae), Labcorp
Classification: Uncertain significance. Last evaluated: 2023-04-28. Review status: criteria provided, single submitter. Criteria: Invitae Variant Classification Sherloc (09022015). Collection method: clinical testing. Allele origin: germline.
Comment: In summary, the available evidence is currently insufficient to determine the role of this variant in disease. Therefore, it has been classified as a Variant of Uncertain Significance. Variants that disrupt the consensus splice site are a relatively common cause of aberrant splicing (PMID: 17576681, 9536098). Algorithms developed to predict the effect of sequence changes on RNA splicing suggest that this variant may disrupt the consensus splice site. An algorithm developed to predict the effect of missense changes on protein structure and function (PolyPhen-2) suggests that this variant is likely to be disruptive. This variant has not been reported in the literature in individuals affected with IRF4-related conditions. This variant is not present in population databases (gnomAD no frequency). This sequence change replaces aspartic acid, which is acidic and polar, with histidine, which is basic and polar, at codon 249 of the IRF4 protein (p.Asp249His). This variant also falls at the last nucleotide of exon 6, which is part of the consensus splice site for this exon.

Literature cited by the submitters: PubMed 17576681; PubMed 9536098.

NM_002460.4(IRF4):c.745G>C (p.Asp249His)

Gene: IRF4 (interferon regulatory factor 4; plus strand). Cytogenetic location: 6p25.3.
Variant type: single nucleotide variant.
Coding change: c.745G>C on transcript NM_002460.4 (MANE Select); coding-DNA position 745, G replaced by C.
Protein change: p.Asp249His; replaces aspartic acid 249 with histidine.
Molecular consequence: missense variant. On other transcripts: non-coding transcript variant (1).
Genome position (GRCh38, 1-based): chr6:398,935, G>C. VCF-style: chr6-398935-G-C. GRCh37 (hg19) VCF-style: chr6-398935-G-C.
Other names: c.742G>C, p.Asp248His (NM_001195286.2); short protein forms D248H, D249H.
Identifiers: ClinVar variation 2860370 (VCV002860370.3), dbSNP rs2480820085, ClinGen allele CA362548272.